The following is an entry in ClinVar:

NM_006009.4(TUBA1A):c.269A>G (p.Glu90Gly)

Gene: TUBA1A (tubulin alpha 1a; minus strand). Cytogenetic location: 12q13.12.
Variant type: single nucleotide variant.
Coding change: c.269A>G on transcript NM_006009.4 (MANE Select); coding-DNA position 269, A replaced by G.
Protein change: p.Glu90Gly; replaces glutamic acid 90 with glycine.
Molecular consequence: missense variant.
Genome position (GRCh38, 1-based): chr12:49,186,416, T>C on the plus strand (A>G on the coding strand, the complement: TUBA1A is on the minus strand). VCF-style: chr12-49186416-T-C. GRCh37 (hg19) VCF-style: chr12-49580199-T-C.
Other names: c.269A>G, p.Glu90Gly (NM_001270399.2); c.164A>G, p.Glu55Gly (NM_001270400.2); short protein forms E90G, E55G.
Identifiers: ClinVar variation 212491 (VCV000212491.7), dbSNP rs797046072, ClinGen allele CA213337.
Genomic context (GRCh38, chr12:49,186,416, plus strand): 5'-ATGGTGTAGTGCCCTCGGGCATAGTTATTGGCAGCATCTTCTTTGCCTGTGATAAGTTGC[T>C]CAGGGTGGAAGAGCTGGCGGTAGGTGCCAGTGCGAACTTCATCTGGAGAACATGATGGGG-3'
Protein context (NP_006000.2, residues 80-100): TGTYRQLFHP[Glu90Gly]QLITGKEDAA

ClinVar aggregate classification (germline): Likely pathogenic. Review status: criteria provided, multiple submitters, no conflicts (2 of 4 stars). 2 submissions from 2 submitters: Likely pathogenic (2). Last evaluated 2018-07-01.

Conditions:
Tubulinopathy. Also called: Tubulinopathies. Identifiers: MedGen CN850169, MONDO:0100153.
Lissencephaly due to TUBA1A mutation (CDCBM16). Also called: CORTICAL DYSPLASIA, COMPLEX, WITH OTHER BRAIN MALFORMATIONS 16; Lissencephaly 3. Identifiers: Orphanet 171680, MedGen C4305153, MONDO:0012703, OMIM 611603.

Submissions (2):

Institute of Human Genetics, FAU Erlangen, Friedrich-Alexander-Universität Erlangen-Nürnberg
Classification: Likely pathogenic for Tubulinopathies. Last evaluated: 2018-07-01. Review status: criteria provided, single submitter. Criteria: ACMG Guidelines, 2015. Collection method: literature only. Allele origin: germline. Affected: yes. Observed: 1 variant allele.
Comment: The c.269A>G, p.(Glu90Gly) variant has been reported as a variant of germline/unknown origin.

Genetic Services Laboratory, University of Chicago
Classification: Likely pathogenic for Lissencephaly 3. Last evaluated: 2014-12-11. Review status: criteria provided, single submitter. Criteria: ACMG Guidelines, 2015. Collection method: clinical testing. Allele origin: germline. Affected: yes.

Literature cited by the submitters: PubMed 30744660 (cited by Institute of Human Genetics, FAU Erlangen, Friedrich-Alexander-Universität Erlangen-Nürnberg); DOI 10.1101/427948 (cited by Institute of Human Genetics, FAU Erlangen, Friedrich-Alexander-Universität Erlangen-Nürnberg).